The following is an entry in ClinVar:

ClinVar aggregate classification (germline): Benign (0 of 4 stars; one submission).

Conditions:
HELQ-related disorder. Also called: HELQ-related condition.

Allele frequency attached by ClinVar (database versions not stated): gnomAD exomes 0.00230; ExAC 0.00797; gnomAD 0.02408; 1000 Genomes Project 0.02476; 1000 Genomes Project 30x 0.02545; ESP Exome Variant Server 0.02661; TOPMed 0.02678.
gnomAD v4.1: 6,874 of 1,501,138 alleles (0.46%); highest among the groups gnomAD compares: African/African-American, 8.3%; 256 homozygotes.

Submission:

PreventionGenetics, part of Exact Sciences
Classification: Benign for HELQ-related condition. Last evaluated: 2019-09-25. Review status: no assertion criteria provided. Collection method: clinical testing. Allele origin: germline.
Comment: This variant is classified as benign based on ACMG/AMP sequence variant interpretation guidelines (Richards et al. 2015 PMID: 25741868, with internal and published modifications).

NM_133636.5(HELQ):c.1662+7T>C

Gene: HELQ (helicase, POLQ like; minus strand). Cytogenetic location: 4q21.23.
Variant type: single nucleotide variant.
Coding change: c.1662+7T>C on transcript NM_133636.5 (MANE Select); 7 bases into the intron after coding-DNA position 1662, T replaced by C.
Molecular consequence: intron variant.
Genome position (GRCh38, 1-based): chr4:83,441,298, A>G on the plus strand (T>C on the coding strand, the complement: HELQ is on the minus strand). VCF-style: chr4-83441298-A-G. GRCh37 (hg19) VCF-style: chr4-84362451-A-G.
Other names: c.1461+7T>C (NM_001297755.2); c.30+7T>C (NM_001297757.2); c.171+7T>C (NM_001297756.2).
Identifiers: ClinVar variation 3037392 (VCV003037392.2), dbSNP rs74573079, ClinGen allele CA2989698.
Genomic context (GRCh38, chr4:83,441,298, plus strand): 5'-TGGAAACTCTTGTTGTGCCCCAGACACAAAGTCTGGTAACCTGGAATTTAAATGTTATCA[A>G]TGTTACCTTATAATTAAGAAGACGTGAAAAAGTCATGCCATTCTCAGCTTTGCTGTCAAC-3'